The following is an entry in ClinVar:

ClinVar aggregate classification (germline): Benign/Likely benign. Review status: criteria provided, multiple submitters, no conflicts (2 of 4 stars). 2 submissions from 2 submitters: Benign (1); Likely benign (1). Last evaluated 2025-01-13.

Conditions:
Familial cancer of breast. Also called: Hereditary breast cancer; hereditary breast carcinoma; BREAST CANCER, FAMILIAL. Identifiers: Orphanet 227535, MedGen C0346153, MONDO:0016419, OMIM 114480. Disease mechanism: loss of function.

Allele frequency attached by ClinVar (database versions not stated): gnomAD exomes below 0.00001 and 0.00001.
gnomAD v4.1: 2 of 1,614,156 alleles (0.00012%); highest among the groups gnomAD compares: Non-Finnish European, 0.000085%; no homozygotes.

Submissions (2):

Myriad Genetics, Inc.
Classification: Benign for Familial cancer of breast. Last evaluated: 2025-01-13. Review status: criteria provided, single submitter. Criteria: Myriad Autosomal Dominant, Autosomal Recessive and X-Linked Classification Criteria (2023). Collection method: clinical testing. Allele origin: unknown.
Comment: This variant is considered benign. This variant is a silent/synonymous amino acid change and it is not expected to impact splicing.

Labcorp Genetics (formerly Invitae), Labcorp
Classification: Likely benign for Familial cancer of breast. Last evaluated: 2021-05-25. Review status: criteria provided, single submitter. Criteria: Invitae Variant Classification Sherloc (09022015). Collection method: clinical testing. Allele origin: germline.

NM_024675.4(PALB2):c.1488T>C (p.Asp496=)

Gene: PALB2 (partner and localizer of BRCA2; minus strand). Cytogenetic location: 16p12.2.
Variant type: single nucleotide variant.
Coding change: c.1488T>C on transcript NM_024675.4 (MANE Select); coding-DNA position 1488, T replaced by C.
Protein change: p.Asp496=; no amino-acid change (aspartic acid 496 retained).
Molecular consequence: synonymous variant.
Genome position (GRCh38, 1-based): chr16:23,635,058, A>G on the plus strand (T>C on the coding strand, the complement: PALB2 is on the minus strand). VCF-style: chr16-23635058-A-G. GRCh37 (hg19) VCF-style: chr16-23646379-A-G.
Identifiers: ClinVar variation 1561279 (VCV001561279.10), dbSNP rs1381339723, ClinGen allele CA494461356.
Genomic context (GRCh38, chr16:23,635,058, plus strand): 5'-TCTTTTTCCTGTGTATCTTCTACCAGGTGCTTGGGCAACTGCCTTCCTAGACAAGTCATT[A>G]TCTTCAGTGGGCCCAGCGGGAGAGCTGACTTTAGTTAATGAGAGAAGTTTCTGAGAGGTT-3'
Protein context (NP_078951.2, residues 486-506): KVSSPAGPTE[Asp496=]NDLSRKAVAQ